The following is an entry in ClinVar:

NM_000230.3(LEP):c.*229C>G

Gene: LEP (leptin; plus strand). Cytogenetic location: 7q32.1.
Variant type: single nucleotide variant.
Coding change: c.*229C>G on transcript NM_000230.3 (MANE Select); 229 bases downstream of the stop codon, C replaced by G.
Molecular consequence: 3 prime UTR variant.
Genome position (GRCh38, 1-based): chr7:128,254,992, C>G. VCF-style: chr7-128254992-C-G. GRCh37 (hg19) VCF-style: chr7-127895045-C-G.
Identifiers: ClinVar variation 1707392 (VCV001707392.2), dbSNP rs28954116, ClinGen allele CA166745353.

ClinVar aggregate classification (germline): Likely benign (1 of 4 stars; one submission).

Allele frequency attached by ClinVar (database versions not stated): gnomAD exomes 0.00170; gnomAD 0.01306; TOPMed 0.01510; 1000 Genomes Project 0.01737; 1000 Genomes Project 30x 0.01905.
gnomAD v4.1: 2,723 of 555,660 alleles (0.49%); highest among the groups gnomAD compares: African/African-American, 4.4%; 65 homozygotes.

Submission:

GeneDx
Classification: Likely benign. Last evaluated: 2021-05-13. Review status: criteria provided, single submitter. Criteria: GeneDx Variant Classification Process June 2021. Collection method: clinical testing. Allele origin: germline. Affected: yes.
Comment: See Variant Classification Assertion Criteria.